The following is an entry in ClinVar:

NM_030665.4(RAI1):c.5517C>A (p.Ala1839=)

Gene: RAI1 (retinoic acid induced 1; plus strand). Cytogenetic location: 17p11.2.
Variant type: single nucleotide variant.
Coding change: c.5517C>A on transcript NM_030665.4 (MANE Select); coding-DNA position 5517, C replaced by A.
Protein change: p.Ala1839=; no amino-acid change (alanine 1839 retained).
Molecular consequence: synonymous variant.
Genome position (GRCh38, 1-based): chr17:17,798,465, C>A. VCF-style: chr17-17798465-C-A. GRCh37 (hg19) VCF-style: chr17-17701779-C-A.
Other names: c.5517C>A (NM_030665.3).
Identifiers: ClinVar variation 1534298 (VCV001534298.9), dbSNP rs377747563, ClinGen allele CA8419179.

ClinVar aggregate classification (germline): Benign. Review status: criteria provided, single submitter (1 of 4 stars). 2 submissions from 2 submitters: Benign (1). 1 of the submissions does not count toward it. Last evaluated 2025-11-13.

Conditions:
RAI1-related disorder. Also called: RAI1-related condition.

gnomAD v4.1: 9 of 1,606,054 alleles (0.00056%); highest among the groups gnomAD compares: African/African-American, 0.012%; no homozygotes.

Submissions (2):

Labcorp Genetics (formerly Invitae), Labcorp
Classification: Benign. Last evaluated: 2025-11-13. Review status: criteria provided, single submitter. Criteria: Invitae Variant Classification Sherloc (09022015). Collection method: clinical testing. Allele origin: germline.

PreventionGenetics, part of Exact Sciences
Classification: Likely benign for RAI1-related condition. Last evaluated: 2023-10-03. Review status: no assertion criteria provided. Collection method: clinical testing. Allele origin: germline. Not counted in ClinVar's aggregate classification.
Comment: This variant is classified as likely benign based on ACMG/AMP sequence variant interpretation guidelines (Richards et al. 2015 PMID: 25741868, with internal and published modifications).